The following is an entry in ClinVar:

ClinVar aggregate classification (germline): Pathogenic (1 of 4 stars; one submission).

Conditions:
Inborn genetic diseases. Identifiers: MedGen C0950123, MeSH D030342.

Submission:

Ambry Genetics
Classification: Pathogenic for Inborn genetic diseases. Last evaluated: 2023-04-21. Review status: criteria provided, single submitter. Criteria: Ambry Variant Classification Scheme 2023. Collection method: clinical testing. Allele origin: germline.
Comment: The c.1432delC (p.L478*) alteration, located in exon 3 (coding exon 2) of the PRF1 gene, consists of a deletion of one nucleotide at position 1432. This changes the amino acid from a Leucine to a stop codon at amino acid position 478. This alteration occurs at the 3' terminus of the PRF1 gene, is not expected to trigger nonsense-mediated mRNA decay, and impacts the last 14% of the protein. Premature stop codons are typically deleterious in nature, the impacted region is critical for protein function, and a significant portion of the protein is affected (Ambry internal data). This allele was reported in one heterozygous individual in population-based cohorts in the Genome Aggregation Database (gnomAD). Another nucleotide alteration resulting in the same protein change, c.1428delG (p.L478*), has been detected in the homozygous state in an individual diagnosed with hemophagocytic lymphohistiocytosis (Sepulveda, 2013). Based on the available evidence, this alteration is classified as pathogenic.

Literature cited by the submitters: PubMed 23160464.

NM_001083116.3(PRF1):c.1432del (p.Pro477_Leu478insTer)

Gene: PRF1 (perforin 1; minus strand). Cytogenetic location: 10q22.1.
Variant type: Deletion.
Coding change: c.1432del on transcript NM_001083116.3 (MANE Select); coding-DNA position 1432, one base deleted (C; older notation c.1432delC).
Protein change: p.Pro477_Leu478insTer.
Molecular consequence: nonsense. On other transcripts: frameshift variant (1).
Genome position (GRCh38, 1-based): chr10:70,598,289, G deleted on the plus strand (C on the coding strand, the reverse complement: PRF1 is on the minus strand); the first of 4 consecutive G bases (chr10:70,598,289-70,598,292); deleting any one gives the same sequence. VCF-style (leftmost placement, unchanged base first): chr10-70598288-AG-A. GRCh37 (hg19) VCF-style: chr10-72358044-AG-A.
Other names: c.1432del, p.Pro477_Leu478insTer (NM_005041.6); c.1432delC (NM_001083116.1).
Identifiers: ClinVar variation 2516257 (VCV002516257.2), dbSNP rs779553489, ClinGen allele CA5538741.
Genomic context (GRCh38, chr10:70,598,288, plus strand): 5'-TCACAGGTGCCAAGGAGGTCATCGTCCCTGCCAGAGTCCTGATCCCAGACCTGCAACCTC[AG>A]GGGCCCCCCTGTGGCCAGGAGCACATCCCCAAAATCCAGCCGCACTGACCAGATGGGGTT-3'